The following is an entry in ClinVar:

NM_012123.4(MTO1):c.561G>C (p.Glu187Asp)

Gene: MTO1 (mitochondrial tRNA translation optimization 1; plus strand). Cytogenetic location: 6q13.
Variant type: single nucleotide variant.
Coding change: c.561G>C on transcript NM_012123.4 (MANE Select); coding-DNA position 561, G replaced by C.
Protein change: p.Glu187Asp; replaces glutamic acid 187 with aspartic acid.
Molecular consequence: missense variant.
Genome position (GRCh38, 1-based): chr6:73,473,390, G>C. VCF-style: chr6-73473390-G-C. GRCh37 (hg19) VCF-style: chr6-74183113-G-C.
Other names: c.561G>C, p.Glu187Asp (NM_001123226.2, NM_133645.3); short protein forms E187D.
Identifiers: ClinVar variation 1499183 (VCV001499183.4), dbSNP rs1168041486, ClinGen allele CA364713308.

ClinVar aggregate classification (germline): Uncertain significance (1 of 4 stars; one submission).

Conditions:
Mitochondrial hypertrophic cardiomyopathy with lactic acidosis due to MTO1 deficiency. Also called: CARDIOMYOPATHY, INFANTILE HYPERTROPHIC MITOCHONDRIAL, AND LACTIC ACIDOSIS; Combined oxidative phosphorylation deficiency 10. Identifiers: Orphanet 314637, MedGen C4749921, MONDO:0013865, OMIM 614702.

Allele frequency attached by ClinVar (database versions not stated): gnomAD 0.00001; TOPMed below 0.00001.
gnomAD v4.1: 1 of 1,613,902 alleles (0.000062%); highest among the groups gnomAD compares: Non-Finnish European, 0.000085%; no homozygotes.

Submission:

Labcorp Genetics (formerly Invitae), Labcorp
Classification: Uncertain significance for Mitochondrial hypertrophic cardiomyopathy with lactic acidosis due to MTO1 deficiency. Last evaluated: 2021-10-29. Review status: criteria provided, single submitter. Criteria: Invitae Variant Classification Sherloc (09022015). Collection method: clinical testing. Allele origin: germline.
Comment: This variant has not been reported in the literature in individuals affected with MTO1-related conditions. In summary, the available evidence is currently insufficient to determine the role of this variant in disease. Therefore, it has been classified as a Variant of Uncertain Significance. Algorithms developed to predict the effect of missense changes on protein structure and function output the following: SIFT: "Tolerated"; PolyPhen-2: "Benign"; Align-GVGD: "Class C0". The aspartic acid amino acid residue is found in multiple mammalian species, which suggests that this missense change does not adversely affect protein function. This variant is present in population databases (no rsID available, gnomAD 0.007%). This sequence change replaces glutamic acid, which is acidic and polar, with aspartic acid, which is acidic and polar, at codon 187 of the MTO1 protein (p.Glu187Asp).